The following is an entry in ClinVar:

ClinVar aggregate classification (germline): Uncertain significance (1 of 4 stars; one submission).

Conditions:
Epilepsy, familial focal, with variable foci 3 (FFEVF3). Identifiers: MedGen C4310708, MONDO:0014925, OMIM 617118.

gnomAD v4.1: 1 of 1,578,820 alleles (0.000063%); highest among the groups gnomAD compares: Non-Finnish European, 0.000086%; no homozygotes.

Submission:

Labcorp Genetics (formerly Invitae), Labcorp
Classification: Uncertain significance for Epilepsy, familial focal, with variable foci 3. Last evaluated: 2023-08-10. Review status: criteria provided, single submitter. Criteria: Invitae Variant Classification Sherloc (09022015). Collection method: clinical testing. Allele origin: germline.
Comment: In summary, the available evidence is currently insufficient to determine the role of this variant in disease. Therefore, it has been classified as a Variant of Uncertain Significance. Advanced modeling of protein sequence and biophysical properties (such as structural, functional, and spatial information, amino acid conservation, physicochemical variation, residue mobility, and thermodynamic stability) performed at Invitae indicates that this missense variant is not expected to disrupt NPRL3 protein function. ClinVar contains an entry for this variant (Variation ID: 1042126). This variant has not been reported in the literature in individuals affected with NPRL3-related conditions. This variant is not present in population databases (gnomAD no frequency). This sequence change replaces threonine, which is neutral and polar, with isoleucine, which is neutral and non-polar, at codon 408 of the NPRL3 protein (p.Thr408Ile).

NM_001077350.3(NPRL3):c.1223C>T (p.Thr408Ile)

Genes: HBA-LCR (alpha-globin locus control region; plus strand), NPRL3 (NPR3 like, GATOR1 complex subunit; minus strand). Cytogenetic location: 16p13.3.
Variant type: single nucleotide variant.
Coding change: c.1223C>T on transcript NM_001077350.3 (MANE Select); coding-DNA position 1223, C replaced by T.
Protein change: p.Thr408Ile; replaces threonine 408 with isoleucine.
Molecular consequence: missense variant.
Genome position (GRCh38, 1-based): chr16:89,841, G>A on the plus strand (C>T on the coding strand, the complement: NPRL3 is on the minus strand). VCF-style: chr16-89841-G-A. GRCh37 (hg19) VCF-style: chr16-139839-G-A.
Other names: c.686C>T, p.Thr229Ile (NM_001039476.3); c.989C>T, p.Thr330Ile (NM_001243247.2); c.1148C>T, p.Thr383Ile (NM_001243248.2, NM_001243249.2); short protein forms T383I, T408I, T229I, T330I.
Identifiers: ClinVar variation 1042126 (VCV001042126.7), dbSNP rs762208602, ClinGen allele CA394051346.